The following is an entry in ClinVar:

ClinVar aggregate classification (germline): Benign (1 of 4 stars; one submission).

Allele frequency attached by ClinVar (database versions not stated): ESP Exome Variant Server 0.00038; 1000 Genomes Project 0.00040; 1000 Genomes Project 30x 0.00047; gnomAD 0.00052; gnomAD exomes 0.00005; ExAC 0.00016; TOPMed 0.00064.
gnomAD v4.1: 154 of 1,613,810 alleles (0.0095%); highest among the groups gnomAD compares: African/African-American, 0.19%; no homozygotes.

Submission:

CeGaT Center for Human Genetics Tuebingen
Classification: Benign. Last evaluated: 2022-07-01. Review status: criteria provided, single submitter. Criteria: CeGaT Center For Human Genetics Tuebingen Variant Classification Criteria Version 2. Collection method: clinical testing. Allele origin: germline. Affected: yes. Observed: 1 variant allele.
Comment: WDFY3: BS1, BS2

NM_014991.6(WDFY3):c.1308A>G (p.Lys436=)

Gene: WDFY3 (WD repeat and FYVE domain containing 3; minus strand). Cytogenetic location: 4q21.23.
Variant type: single nucleotide variant.
Coding change: c.1308A>G on transcript NM_014991.6 (MANE Select); coding-DNA position 1308, A replaced by G.
Protein change: p.Lys436=; no amino-acid change (lysine 436 retained).
Molecular consequence: synonymous variant.
Genome position (GRCh38, 1-based): chr4:84,821,367, T>C on the plus strand (A>G on the coding strand, the complement: WDFY3 is on the minus strand). VCF-style: chr4-84821367-T-C. GRCh37 (hg19) VCF-style: chr4-85742520-T-C.
Identifiers: ClinVar variation 2654883 (VCV002654883.24), dbSNP rs148774595, ClinGen allele CA2993992.
Genomic context (GRCh38, chr4:84,821,367, plus strand): 5'-ATTTAAGCTAAAAACAACAAACTCCAGCATCTCAAAGTATTTGTTTTGTACTTCTGGGAG[T>C]TTAGAAATCTTCTCTGCAAACTGTGACAATGTGTGCTGTGACTCTAGGATGAAGTAATTG-3'
Protein context (NP_055806.2, residues 426-446): TLSQFAEKIS[Lys436=]LPEVQNKYFE